The following is an entry in ClinVar:

ClinVar aggregate classification (germline): Conflicting classifications of pathogenicity. Review status: criteria provided, conflicting classifications (1 of 4 stars). 2 submissions from 2 submitters: Uncertain significance (1); Likely benign (1). Last evaluated 2026-06-03.

gnomAD v4.1: 7 of 1,613,998 alleles (0.00043%); highest among the groups gnomAD compares: Non-Finnish European, 0.00059%; no homozygotes.

Submissions (2):

Greenwood Genetic Center Diagnostic Laboratories, Greenwood Genetic Center
Classification: Uncertain significance. Last evaluated: 2026-06-03. Review status: criteria provided, single submitter. Criteria: ACMG Guidelines, 2015. Collection method: clinical testing. Allele origin: germline.
Comment: PM2, BP4

Ambry Genetics
Classification: Likely benign. Last evaluated: 2025-11-19. Review status: criteria provided, single submitter. Criteria: Ambry Variant Classification Scheme 2023. Collection method: clinical testing. Allele origin: germline.

NM_015179.4(RRP12):c.3612G>T (p.Glu1204Asp)

Gene: RRP12 (ribosomal RNA processing 12 homolog; minus strand). Cytogenetic location: 10q24.1.
Variant type: single nucleotide variant.
Coding change: c.3612G>T on transcript NM_015179.4 (MANE Select); coding-DNA position 3612, G replaced by T.
Protein change: p.Glu1204Asp; replaces glutamic acid 1204 with aspartic acid.
Molecular consequence: missense variant.
Genome position (GRCh38, 1-based): chr10:97,360,574, C>A on the plus strand (G>T on the coding strand, the complement: RRP12 is on the minus strand). VCF-style: chr10-97360574-C-A. GRCh37 (hg19) VCF-style: chr10-99120331-C-A.
Other names: c.3429G>T, p.Glu1143Asp (NM_001145114.1); c.3312G>T, p.Glu1104Asp (NM_001284337.2); short protein forms E1204D, E1104D, E1143D.
Identifiers: ClinVar variation 4579782 (VCV004579782.2).
Genomic context (GRCh38, chr10:97,360,574, plus strand): 5'-TGTGTCCCAGGAGAGAGGAGTGGAAGCCTCACCTTGGTACTGAGGGGGTATCTCCAGCTC[C>A]TCCTCCTCAGCCTCTTTCTGGTGCTTGAGCTTCTGGTGCTTTTTCTATAGAGAGAGAATA-3'
Protein context (NP_055994.2, residues 1194-1214): KLKHQKEAEE[Glu1204Asp]ELEIPPQYQA